The following is an entry in ClinVar:

NM_000179.3(MSH6):c.3363G>A (p.Glu1121=)

Gene: MSH6 (mutS homolog 6; plus strand). Cytogenetic location: 2p16.3.
Variant type: single nucleotide variant.
Coding change: c.3363G>A on transcript NM_000179.3 (MANE Select); coding-DNA position 3363, G replaced by A.
Protein change: p.Glu1121=; no amino-acid change (glutamic acid 1121 retained).
Molecular consequence: synonymous variant.
Genome position (GRCh38, 1-based): chr2:47,803,610, G>A. VCF-style: chr2-47803610-G-A. GRCh37 (hg19) VCF-style: chr2-48030749-G-A.
Other names: c.2973G>A, p.Glu991= (NM_001281492.2); c.2457G>A, p.Glu819= (NM_001281493.2, NM_001281494.2).
Identifiers: ClinVar variation 1161567 (VCV001161567.12), dbSNP rs377226210, ClinGen allele CA426122012.

ClinVar aggregate classification (germline): Benign/Likely benign. Review status: criteria provided, multiple submitters, no conflicts (2 of 4 stars). 3 submissions from 3 submitters: Benign (1); Likely benign (2). Last evaluated 2025-01-06.

Conditions:
Lynch syndrome 5 (LYNCH5). Also called: Hereditary non-polyposis colorectal cancer, type 5; Colorectal cancer, hereditary nonpolyposis, type 5. Identifiers: Orphanet 144, MedGen C1833477, MONDO:0013710, OMIM 614350. Disease mechanism: loss of function.
Hereditary nonpolyposis colorectal neoplasms. Identifiers: MedGen C0009405, MeSH D003123.
Hereditary cancer-predisposing syndrome. Also called: Tumor predisposition; Neoplastic Syndromes, Hereditary; Hereditary Cancer Syndrome; Hereditary neoplastic syndrome. Identifiers: Orphanet 140162, MedGen C0027672, MeSH D009386, MONDO:0015356.

Submissions (3):

Myriad Genetics, Inc.
Classification: Benign for Lynch syndrome 5. Last evaluated: 2025-01-06. Review status: criteria provided, single submitter. Criteria: Myriad Autosomal Dominant, Autosomal Recessive and X-Linked Classification Criteria (2023). Collection method: clinical testing. Allele origin: unknown.
Comment: This variant is considered benign. This variant is a silent/synonymous amino acid change and it is not expected to impact splicing.

Ambry Genetics
Classification: Likely benign for Hereditary cancer-predisposing syndrome. Last evaluated: 2022-08-02. Review status: criteria provided, single submitter. Criteria: Ambry Variant Classification Scheme 2023. Collection method: clinical testing. Allele origin: germline.

Labcorp Genetics (formerly Invitae), Labcorp
Classification: Likely benign for Hereditary nonpolyposis colorectal neoplasms. Last evaluated: 2020-05-26. Review status: criteria provided, single submitter. Criteria: Invitae Variant Classification Sherloc (09022015). Collection method: clinical testing. Allele origin: germline.